The following is an entry in ClinVar:

ClinVar aggregate classification (germline): Benign. Review status: criteria provided, multiple submitters, no conflicts (2 of 4 stars). 2 submissions from 2 submitters: Benign (2). Last evaluated 2018-06-18.

Allele frequency attached by ClinVar (database versions not stated): gnomAD 0.11737 and 0.11767; TOPMed 0.13678; 1000 Genomes Project 0.14537.
gnomAD v4.1: 143,629 of 1,581,188 alleles (9.1%); highest among the groups gnomAD compares: Admixed American, 27%; 8,490 homozygotes.

Submissions (15):

GeneDx
Classification: Benign. Last evaluated: 2018-06-18. Review status: criteria provided, single submitter. Criteria: GeneDx Variant Classification (06012015). Collection method: clinical testing. Allele origin: germline. Affected: yes.
Comment: This variant is considered likely benign or benign based on one or more of the following criteria: it is a conservative change, it occurs at a poorly conserved position in the protein, it is predicted to be benign by multiple in silico algorithms, and/or has population frequency not consistent with disease.

Breakthrough Genomics
Classification: Benign. Review status: criteria provided, single submitter. Criteria: ACMG Guidelines, 2015. Collection method: not provided. Allele origin: germline. Inheritance: Autosomal recessive inheritance. Affected: yes.

Dr. Peter K. Rogan Lab, Western University
No classification provided (evidence only). Condition: Thymoma. Review status: no classification provided. Collection method: in vitro. Allele origin: not applicable. Functional consequence: retained intron. Not counted in ClinVar's aggregate classification.

Dr. Peter K. Rogan Lab, Western University
No classification provided (evidence only). Condition: Thymoma. Review status: no classification provided. Collection method: in vitro. Allele origin: not applicable. Functional consequence: retained intron. Not counted in ClinVar's aggregate classification.

Dr. Peter K. Rogan Lab, Western University
No classification provided (evidence only). Condition: Uterine carcinosarcoma. Review status: no classification provided. Collection method: in vitro. Allele origin: not applicable. Functional consequence: retained intron. Not counted in ClinVar's aggregate classification.

Dr. Peter K. Rogan Lab, Western University
No classification provided (evidence only). Condition: Uveal melanoma. Review status: no classification provided. Collection method: in vitro. Allele origin: not applicable. Functional consequence: retained intron. Not counted in ClinVar's aggregate classification.

Dr. Peter K. Rogan Lab, Western University
No classification provided (evidence only). Condition: Chronic lymphocytic leukemia/small lymphocytic lymphoma. Review status: no classification provided. Collection method: in vitro. Allele origin: not applicable. Functional consequence: retained intron. Not counted in ClinVar's aggregate classification.

Dr. Peter K. Rogan Lab, Western University
No classification provided (evidence only). Condition: Chronic lymphocytic leukemia/small lymphocytic lymphoma. Review status: no classification provided. Collection method: in vitro. Allele origin: not applicable. Functional consequence: retained intron. Not counted in ClinVar's aggregate classification.

Dr. Peter K. Rogan Lab, Western University
No classification provided (evidence only). Condition: Chronic lymphocytic leukemia/small lymphocytic lymphoma. Review status: no classification provided. Collection method: in vitro. Allele origin: not applicable. Functional consequence: retained intron. Not counted in ClinVar's aggregate classification.

Dr. Peter K. Rogan Lab, Western University
No classification provided (evidence only). Condition: Chronic lymphocytic leukemia/small lymphocytic lymphoma. Review status: no classification provided. Collection method: in vitro. Allele origin: not applicable. Functional consequence: retained intron. Not counted in ClinVar's aggregate classification.

Dr. Peter K. Rogan Lab, Western University
No classification provided (evidence only). Condition: Nonpapillary renal cell carcinoma. Review status: no classification provided. Collection method: in vitro. Allele origin: not applicable. Functional consequence: retained intron. Not counted in ClinVar's aggregate classification.

Dr. Peter K. Rogan Lab, Western University
No classification provided (evidence only). Condition: Nonpapillary renal cell carcinoma. Review status: no classification provided. Collection method: in vitro. Allele origin: not applicable. Functional consequence: retained intron. Not counted in ClinVar's aggregate classification.

Dr. Peter K. Rogan Lab, Western University
No classification provided (evidence only). Condition: Lymphoma. Review status: no classification provided. Collection method: in vitro. Allele origin: not applicable. Functional consequence: retained intron. Not counted in ClinVar's aggregate classification.

Dr. Peter K. Rogan Lab, Western University
No classification provided (evidence only). Condition: Ovarian cancer. Review status: no classification provided. Collection method: in vitro. Allele origin: not applicable. Functional consequence: retained intron. Not counted in ClinVar's aggregate classification.

Dr. Peter K. Rogan Lab, Western University
No classification provided (evidence only). Condition: Ovarian cancer. Review status: no classification provided. Collection method: in vitro. Allele origin: not applicable. Functional consequence: retained intron. Not counted in ClinVar's aggregate classification.

NM_001267550.2(TTN):c.9472-23T>G

Gene: TTN (titin; minus strand). Cytogenetic location: 2q31.2.
Variant type: single nucleotide variant.
Coding change: c.9472-23T>G on transcript NM_001267550.2 (MANE Select); 23 bases into the intron before coding-DNA position 9472, T replaced by G.
Molecular consequence: intron variant.
Genome position (GRCh38, 1-based): chr2:178,766,635, A>C on the plus strand (T>G on the coding strand, the complement: TTN is on the minus strand). VCF-style: chr2-178766635-A-C. GRCh37 (hg19) VCF-style: chr2-179631362-A-C.
Other names: NC_000002.11:g.179631362A>C; c.9334-23T>G (NM_003319.4, NM_133437.4, NM_133432.3); c.9472-23T>G (NM_133378.4, NM_133379.5, NM_001256850.1).
Identifiers: ClinVar variation 671269 (VCV000671269.3), dbSNP rs3816782, ClinGen allele CA2004310.